The following is an entry in ClinVar:

NM_003227.4(TFR2):c.1747G>A (p.Val583Ile)

Gene: TFR2 (transferrin receptor 2; minus strand). Cytogenetic location: 7q22.1.
Variant type: single nucleotide variant.
Coding change: c.1747G>A on transcript NM_003227.4 (MANE Select); coding-DNA position 1747, G replaced by A.
Protein change: p.Val583Ile; replaces valine 583 with isoleucine.
Molecular consequence: missense variant.
Genome position (GRCh38, 1-based): chr7:100,627,597, C>T on the plus strand (G>A on the coding strand, the complement: TFR2 is on the minus strand). VCF-style: chr7-100627597-C-T. GRCh37 (hg19) VCF-style: chr7-100225220-C-T.
Other names: c.1234G>A, p.Val412Ile (NM_001206855.3); short protein forms V583I, V412I.
Identifiers: ClinVar variation 909030 (VCV000909030.4), dbSNP rs370375593, ClinGen allele CA4386292.

ClinVar aggregate classification (germline): Uncertain significance (1 of 4 stars; one submission).

Conditions:
Hemochromatosis type 3 (HFE3). Also called: TFR2-Related Hemochromatosis; HEMOCHROMATOSIS DUE TO DEFECT IN TRANSFERRIN RECEPTOR 2; Hereditary hemochromatosis type 3. Identifiers: Orphanet 225123, MedGen C1858664, MONDO:0011417, OMIM 604250.

Allele frequency attached by ClinVar (database versions not stated): gnomAD 0.00008 and 0.00009; TOPMed 0.00009; ESP Exome Variant Server 0.00015; gnomAD exomes 0.00015; ExAC 0.00022.
gnomAD v4.1: 218 of 1,613,982 alleles (0.014%); highest among the groups gnomAD compares: Non-Finnish European, 0.017%; no homozygotes.

Submission:

Illumina Laboratory Services, Illumina
Classification: Uncertain significance for Hemochromatosis type 3. Last evaluated: 2017-09-19. Review status: criteria provided, single submitter. Criteria: ICSL Variant Classification Criteria 13 December 2019. Collection method: clinical testing. Allele origin: germline.
Comment: This variant was observed as part of a predisposition screen in an ostensibly healthy population. A literature search was performed for the gene, cDNA change, and amino acid change (where applicable). Publications were found based on this search. However, the evidence from the literature, in combination with allele frequency data from public databases where available, was not sufficient to rule this variant in or out of causing disease. Therefore, this variant is classified as a variant of unknown significance.

Literature cited by the submitters: PubMed 16838333.